The following is an entry in ClinVar:

ClinVar aggregate classification (germline): Uncertain significance (1 of 4 stars; one submission).

gnomAD v4.1: 4 of 1,613,582 alleles (0.00025%); highest among the groups gnomAD compares: African/African-American, 0.0013%; no homozygotes.

Submission:

GeneDx
Classification: Uncertain significance. Last evaluated: 2024-12-17. Review status: criteria provided, single submitter. Criteria: GeneDx Variant Classification Process June 2021. Collection method: clinical testing. Allele origin: germline. Affected: yes.
Comment: Not observed at significant frequency in large population cohorts (gnomAD); In silico analysis indicates that this missense variant does not alter protein structure/function; Has not been previously published as pathogenic or benign to our knowledge

NM_203446.3(SYNJ1):c.1759A>G (p.Ile587Val)

Gene: SYNJ1 (synaptojanin 1; minus strand). Cytogenetic location: 21q22.11.
Variant type: single nucleotide variant.
Coding change: c.1759A>G on transcript NM_203446.3 (MANE Select); coding-DNA position 1759, A replaced by G.
Protein change: p.Ile587Val; replaces isoleucine 587 with valine.
Molecular consequence: missense variant.
Genome position (GRCh38, 1-based): chr21:32,670,340, T>C on the plus strand (A>G on the coding strand, the complement: SYNJ1 is on the minus strand). VCF-style: chr21-32670340-T-C. GRCh37 (hg19) VCF-style: chr21-34042650-T-C.
Other names: c.1759A>G, p.Ile587Val (NM_001160302.2); c.1744A>G, p.Ile582Val (NM_001160306.2); c.1876A>G, p.Ile626Val (NM_003895.4); short protein forms I582V, I587V, I626V.
Identifiers: ClinVar variation 3906511 (VCV003906511.1).